The following is an entry in ClinVar:

NM_005754.3(G3BP1):c.1111A>G (p.Ile371Val)

Gene: G3BP1 (G3BP stress granule assembly factor 1; plus strand). Cytogenetic location: 5q33.1.
Variant type: single nucleotide variant.
Coding change: c.1111A>G on transcript NM_005754.3 (MANE Select); coding-DNA position 1111, A replaced by G.
Protein change: p.Ile371Val; replaces isoleucine 371 with valine.
Molecular consequence: missense variant.
Genome position (GRCh38, 1-based): chr5:151,800,786, A>G. VCF-style: chr5-151800786-A-G. GRCh37 (hg19) VCF-style: chr5-151180347-A-G.
Other names: c.1111A>G, p.Ile371Val (NM_198395.2); short protein forms I371V.
Identifiers: ClinVar variation 3365326 (VCV003365326.1).

ClinVar aggregate classification (germline): Uncertain significance (1 of 4 stars; one submission).

gnomAD v4.1: 4 of 1,611,916 alleles (0.00025%); highest among the groups gnomAD compares: South Asian, 0.0022%; no homozygotes.

Submission:

GeneDx
Classification: Uncertain significance. Last evaluated: 2023-12-03. Review status: criteria provided, single submitter. Criteria: GeneDx Variant Classification Process June 2021. Collection method: clinical testing. Allele origin: germline. Affected: yes.
Comment: Not observed at significant frequency in large population cohorts (gnomAD); In silico analysis supports that this missense variant does not alter protein structure/function; Has not been previously published as pathogenic or benign to our knowledge